The following is an entry in ClinVar:

NM_031372.4(HNRNPDL):c.106C>T (p.Arg36Trp)

Gene: HNRNPDL (heterogeneous nuclear ribonucleoprotein D like; minus strand). Cytogenetic location: 4q21.22.
Variant type: single nucleotide variant.
Coding change: c.106C>T on transcript NM_031372.4 (MANE Select); coding-DNA position 106, C replaced by T.
Protein change: p.Arg36Trp; replaces arginine 36 with tryptophan.
Molecular consequence: missense variant. On other transcripts: non-coding transcript variant (1).
Genome position (GRCh38, 1-based): chr4:82,429,585, G>A on the plus strand (C>T on the coding strand, the complement: HNRNPDL is on the minus strand). VCF-style: chr4-82429585-G-A. GRCh37 (hg19) VCF-style: chr4-83350738-G-A.
Other names: c.106C>T, p.Arg36Trp (NM_001207000.1); short protein forms R36W.
Identifiers: ClinVar variation 3669658 (VCV003669658.2).
Genomic context (GRCh38, chr4:82,429,585, plus strand): 5'-GGCGCGCCCCCTGCCGGGCGGAGCTGGGAGCGAGCGAAGGGAGGAGCGGGGCTAGCTGCC[G>A]CGGCGGCCGCGGCCGCCAATGGGAGAGGCTGCGGGAGGCTAAAGTAGCGGGAGCGGAGGG-3'
Protein context (NP_112740.1, residues 26-46): SLSHWRPRPP[Arg36Trp]QLAPLLPSLA

ClinVar aggregate classification (germline): Uncertain significance (1 of 4 stars; one submission).

Conditions:
Autosomal dominant limb-girdle muscular dystrophy type 1G (LGMDD3). Also called: Limb-girdle muscular dystrophy, type 1G; MUSCULAR DYSTROPHY, LIMB-GIRDLE, AUTOSOMAL DOMINANT 3. Identifiers: Orphanet 55596, MedGen C1836765, MONDO:0012193, OMIM 609115.

gnomAD v4.1: 5 of 1,379,692 alleles (0.00036%); highest among the groups gnomAD compares: East Asian, 0.003%; no homozygotes.

Submission:

Labcorp Genetics (formerly Invitae), Labcorp
Classification: Uncertain significance for Autosomal dominant limb-girdle muscular dystrophy type 1G. Last evaluated: 2024-08-15. Review status: criteria provided, single submitter. Criteria: Invitae Variant Classification Sherloc (09022015). Collection method: clinical testing. Allele origin: germline.
Comment: This sequence change replaces arginine, which is basic and polar, with tryptophan, which is neutral and slightly polar, at codon 36 of the HNRNPDL protein (p.Arg36Trp). This variant is present in population databases (no rsID available, gnomAD 0.06%). This variant has not been reported in the literature in individuals affected with HNRNPDL-related conditions. An algorithm developed to predict the effect of missense changes on protein structure and function (PolyPhen-2) suggests that this variant is likely to be disruptive. In summary, the available evidence is currently insufficient to determine the role of this variant in disease. Therefore, it has been classified as a Variant of Uncertain Significance.